The following is an entry in ClinVar:

NC_000022.11:g.20355002_20355028del

Variant type: Deletion.
Genome position: GRCh38 VCF-style: chr22-20354991-CTAACGAGGACCCCGTCCAGGGCGTCAA-C. GRCh37 (hg19) VCF-style: chr22-20709281-CTAACGAGGACCCCGTCCAGGGCGTCAA-C.
Identifiers: ClinVar variation 3341756 (VCV003341756.16).

ClinVar aggregate classification (germline): Likely benign (1 of 4 stars; one submission).

Submission:

CeGaT Center for Human Genetics Tuebingen
Classification: Likely benign. Last evaluated: 2024-07-01. Review status: criteria provided, single submitter. Criteria: CeGaT Center For Human Genetics Tuebingen Variant Classification Criteria Version 2. Collection method: clinical testing. Allele origin: germline. Affected: yes. Observed: 1 variant allele.
Comment: FAM230A: PM4, BS2